The following is an entry in ClinVar:

ClinVar aggregate classification (germline): Pathogenic. Review status: criteria provided, multiple submitters, no conflicts (2 of 4 stars). 7 submissions from 7 submitters: Pathogenic (6). 1 of the submissions does not count toward it. Last evaluated 2025-10-07.

Conditions:
Hereditary cancer-predisposing syndrome. Also called: Hereditary neoplastic syndrome; Neoplastic Syndromes, Hereditary; Tumor predisposition; Hereditary Cancer Syndrome. Identifiers: Orphanet 140162, MedGen C0027672, MeSH D009386, MONDO:0015356.
Neurofibromatosis, type 2 (SWNV). Also called: NF2-Related Schwannomatosis; BILATERAL ACOUSTIC NEUROFIBROMATOSIS; SCHWANNOMATOSIS, VESTIBULAR. Identifiers: Orphanet 637, MedGen C0027832, MONDO:0007039, OMIM 101000. Disease mechanism: loss of function.

Submissions (7):

Labcorp Genetics (formerly Invitae), Labcorp
Classification: Pathogenic for Neurofibromatosis, type 2. Last evaluated: 2025-10-07. Review status: criteria provided, single submitter. Criteria: Invitae Variant Classification Sherloc (09022015). Collection method: clinical testing. Allele origin: germline.
Comment: This sequence change creates a premature translational stop signal (p.Arg466*) in the NF2 gene. It is expected to result in an absent or disrupted protein product. Loss-of-function variants in NF2 are known to be pathogenic (PMID: 9643284, 16983642). This variant is not present in population databases (gnomAD no frequency). This premature translational stop signal has been observed in individual(s) with neurofibromatosis type 2 (PMID: 7913580, 8012353, 12566519, 18033041, 18766994, 24815379, 26066488). In at least one individual the variant was observed to be de novo. Invitae Evidence Modeling of clinical and family history, age, sex, and reported ancestry of multiple individuals with this NF2 variant has been performed. This variant is expected to be pathogenic with a positive predictive value of at least 99%. This is a validated machine learning model that incorporates the clinical features of 14,809 individuals referred to our laboratory for NF2 testing. ClinVar contains an entry for this variant (Variation ID: 3295). For these reasons, this variant has been classified as Pathogenic.

Genome-Nilou Lab
Classification: Pathogenic for Neurofibromatosis, type 2. Last evaluated: 2021-11-07. Review status: criteria provided, single submitter. Criteria: ACMG Guidelines, 2015. Collection method: clinical testing. Allele origin: germline. Affected: no.

Institute of Medical Genetics and Applied Genomics, University Hospital Tübingen
Classification: Pathogenic. Last evaluated: 2021-09-15. Review status: criteria provided, single submitter. Criteria: ACMG Guidelines, 2015. Collection method: clinical testing. Allele origin: germline. Inheritance: Autosomal dominant inheritance. Affected: yes.

Athena Diagnostics
Classification: Pathogenic. Last evaluated: 2019-08-08. Review status: criteria provided, single submitter. Criteria: Athena Diagnostics Criteria. Collection method: clinical testing. Allele origin: germline.
Comment: The variant creates a premature nonsense codon, and is therefore predicted to result in the loss of a functional protein. Found in at least one symptomatic patient, and not found in general population data. Damaging to protein function(s) relevant to disease mechanism.

Ambry Genetics
Classification: Pathogenic for Hereditary cancer-predisposing syndrome. Last evaluated: 2017-08-23. Review status: criteria provided, single submitter. Criteria: Ambry Variant Classification Scheme 2023. Collection method: clinical testing. Allele origin: germline.
Comment: The p.R466* pathogenic mutation (also known as c.1396C>T), located in coding exon 13 of the NF2 gene, results from a C to T substitution at nucleotide position 1396. This changes the amino acid from an arginine to a stop codon within coding exon 13. This mutation has been reported in multiple individuals with clinical features of neurofibromatosis type 2 (MacCollin M et al. Am. J. Hum. Genet. 1994 Aug;55(2):314-20; Bourn D et al. Hum. Genet. 1995 May;95(5):572-4; Parry DM et al. Am. J. Hum. Genet. 1996 Sep;59(3):529-39; Kluwe L et al. J. Med. Genet. 2003 Feb;40(2):109-14; Grant EA et al. Ophthalmic Genet. 2008 Sep;29(3):133-8; Goutagny S et al. J. Neurooncol. 2015 Apr;122(2):313-20). In addition to the clinical data presented in the literature, this alteration is expected to result in loss of function by premature protein truncation or nonsense-mediated mRNA decay. As such, this alteration is interpreted as a disease-causing mutation.

Center for Human Genetics, Inc
Classification: Pathogenic for Neurofibromatosis, type 2. Last evaluated: 2016-11-01. Review status: criteria provided, single submitter. Criteria: ACMG Guidelines, 2015. Collection method: clinical testing. Allele origin: germline. Affected: yes.

OMIM
Classification: Pathogenic for SHWANNOMATOSIS, VESTIBULAR. Last evaluated: 1994-08-01. Review status: no assertion criteria provided. Collection method: literature only. Allele origin: germline. Not counted in ClinVar's aggregate classification.

Literature cited by the submitters: PubMed 9643284 (cited by Labcorp Genetics (formerly Invitae), Labcorp and Athena Diagnostics); PubMed 16983642 (cited by Labcorp Genetics (formerly Invitae), Labcorp); PubMed 7913580 (cited by Labcorp Genetics (formerly Invitae), Labcorp and OMIM); PubMed 8012353 (cited by Labcorp Genetics (formerly Invitae), Labcorp and Athena Diagnostics); PubMed 12566519 (cited by Labcorp Genetics (formerly Invitae), Labcorp and Athena Diagnostics); PubMed 18033041 (cited by Labcorp Genetics (formerly Invitae), Labcorp); PubMed 18766994 (cited by Labcorp Genetics (formerly Invitae), Labcorp and Athena Diagnostics); PubMed 24815379 (cited by Labcorp Genetics (formerly Invitae), Labcorp and Athena Diagnostics); PubMed 26066488 (cited by Labcorp Genetics (formerly Invitae), Labcorp and Athena Diagnostics); PubMed 9466988 (cited by Athena Diagnostics); PubMed 24595234 (cited by Athena Diagnostics); PubMed 25798586 (cited by Athena Diagnostics); PubMed 29409008 (cited by Athena Diagnostics); PubMed 11668501 (cited by Athena Diagnostics); PubMed 26031996 (cited by Athena Diagnostics); PubMed 27128293 (cited by Athena Diagnostics); PubMed 31370276 (cited by Athena Diagnostics); PubMed 8889506 (cited by Athena Diagnostics); PubMed 20831745 (cited by Athena Diagnostics); PubMed 15684865 (cited by Athena Diagnostics); PubMed 31273341 (cited by Athena Diagnostics); PubMed 11085592 (cited by Athena Diagnostics); PubMed 25567352 (cited by Athena Diagnostics).

NM_000268.4(NF2):c.1396C>T (p.Arg466Ter)

Gene: NF2 (NF2, moesin-ezrin-radixin like (MERLIN) tumor suppressor; plus strand). Cytogenetic location: 22q12.2.
Variant type: single nucleotide variant.
Coding change: c.1396C>T on transcript NM_000268.4 (MANE Select); coding-DNA position 1396, C replaced by T.
Protein change: p.Arg466Ter; replaces arginine 466 with a stop codon.
Molecular consequence: nonsense. On other transcripts: non-coding transcript variant (1), intron variant (1).
Genome position (GRCh38, 1-based): chr22:29,674,891, C>T. VCF-style: chr22-29674891-C-T. GRCh37 (hg19) VCF-style: chr22-30070880-C-T.
Other names: c.1396C>T, p.Arg466Ter (NM_016418.5, NM_181825.3, NM_181832.3); c.1270C>T, p.Arg424Ter (NM_181828.3); c.1273C>T, p.Arg425Ter (NM_181829.3); c.1147C>T, p.Arg383Ter (NM_181830.3, NM_181831.3); c.448-19861C>T (NM_181833.3); short protein forms R466*, R383*, R425*, R424*.
Identifiers: ClinVar variation 3295 (VCV000003295.17), dbSNP rs74315504, ClinGen allele CA021327.